The following is an entry in ClinVar:

NM_012330.4(KAT6B):c.136A>G (p.Thr46Ala)

Gene: KAT6B (lysine acetyltransferase 6B; plus strand). Cytogenetic location: 10q22.2.
Variant type: single nucleotide variant.
Coding change: c.136A>G on transcript NM_012330.4 (MANE Select); coding-DNA position 136, A replaced by G.
Protein change: p.Thr46Ala; replaces threonine 46 with alanine.
Molecular consequence: missense variant. On other transcripts: 5 prime UTR variant (2).
Genome position (GRCh38, 1-based): chr10:74,842,993, A>G. VCF-style: chr10-74842993-A-G. GRCh37 (hg19) VCF-style: chr10-76602751-A-G.
Other names: c.136A>G, p.Thr46Ala (NM_001256468.2, NM_001256469.2, NM_001370132.1 and 10 more transcripts); c.-403A>G (NM_001370134.1, NM_001370135.1); short protein forms T46A.
Identifiers: ClinVar variation 3346873 (VCV003346873.1).
Genomic context (GRCh38, chr10:74,842,993, plus strand): 5'-AGGCCCTCTGAAGAGAGAATCTGCCATGCGGTCAGTACTTCCCATGGGTTGGATAAGAAG[A>G]CAGTCTCTGAACAGCTGGAACTCAGTGTTCAGGATGGCTCAGTTCTCAAAGTCACCAACA-3'
Protein context (NP_036462.2, residues 36-56): VSTSHGLDKK[Thr46Ala]VSEQLELSVQ

ClinVar aggregate classification (germline): Uncertain significance (0 of 4 stars; one submission).

Conditions:
KAT6B-related disorder. Also called: KAT6B-related disorders; KAT6B-related condition.

gnomAD v4.1: 2 of 1,614,214 alleles (0.00012%); highest among the groups gnomAD compares: Non-Finnish European, 0.000085%; no homozygotes.

Submission:

PreventionGenetics, part of Exact Sciences
Classification: Uncertain significance for KAT6B-related condition. Last evaluated: 2024-05-29. Review status: no assertion criteria provided. Collection method: clinical testing. Allele origin: germline.
Comment: The KAT6B c.136A>G variant is predicted to result in the amino acid substitution p.Thr46Ala. To our knowledge, this variant has not been reported in the literature or in a large population database, indicating this variant is rare. At this time, the clinical significance of this variant is uncertain due to the absence of conclusive functional and genetic evidence.